The following is an entry in ClinVar:

NM_013275.6(ANKRD11):c.3343A>G (p.Ile1115Val)

Gene: ANKRD11 (ankyrin repeat domain 11; minus strand). Cytogenetic location: 16q24.3.
Variant type: single nucleotide variant.
Coding change: c.3343A>G on transcript NM_013275.6 (MANE Select); coding-DNA position 3343, A replaced by G.
Protein change: p.Ile1115Val; replaces isoleucine 1115 with valine.
Molecular consequence: missense variant.
Genome position (GRCh38, 1-based): chr16:89,283,199, T>C on the plus strand (A>G on the coding strand, the complement: ANKRD11 is on the minus strand). VCF-style: chr16-89283199-T-C. GRCh37 (hg19) VCF-style: chr16-89349607-T-C.
Other names: c.3343A>G, p.Ile1115Val (NM_001256182.2, NM_001256183.2); short protein forms I1115V.
Identifiers: ClinVar variation 585407 (VCV000585407.6), dbSNP rs753868881, ClinGen allele CA8242381.

ClinVar aggregate classification (germline): Uncertain significance. Review status: criteria provided, multiple submitters, no conflicts (2 of 4 stars). 2 submissions from 2 submitters: Uncertain significance (2). Last evaluated 2023-12-11.

Conditions:
KBG syndrome (KBGS). Also called: ANKRD11-Related KBG Syndrome. Identifiers: Orphanet 2332, MedGen C0220687, MONDO:0007846, OMIM 148050.

Allele frequency attached by ClinVar (database versions not stated): ExAC 0.00002; gnomAD exomes 0.00002.
gnomAD v4.1: 33 of 1,614,204 alleles (0.002%); highest among the groups gnomAD compares: Non-Finnish European, 0.0025%; no homozygotes.

Submissions (2):

Labcorp Genetics (formerly Invitae), Labcorp
Classification: Uncertain significance for KBG syndrome. Last evaluated: 2023-12-11. Review status: criteria provided, single submitter. Criteria: Invitae Variant Classification Sherloc (09022015). Collection method: clinical testing. Allele origin: germline.
Comment: This sequence change replaces isoleucine, which is neutral and non-polar, with valine, which is neutral and non-polar, at codon 1115 of the ANKRD11 protein (p.Ile1115Val). This variant is present in population databases (rs753868881, gnomAD 0.004%). This variant has not been reported in the literature in individuals affected with ANKRD11-related conditions. ClinVar contains an entry for this variant (Variation ID: 585407). Advanced modeling of protein sequence and biophysical properties (such as structural, functional, and spatial information, amino acid conservation, physicochemical variation, residue mobility, and thermodynamic stability) performed at Invitae indicates that this missense variant is not expected to disrupt ANKRD11 protein function with a negative predictive value of 95%. In summary, the available evidence is currently insufficient to determine the role of this variant in disease. Therefore, it has been classified as a Variant of Uncertain Significance.

Athena Diagnostics
Classification: Uncertain significance. Last evaluated: 2018-06-22. Review status: criteria provided, single submitter. Criteria: Athena Diagnostics Criteria. Collection method: clinical testing. Allele origin: germline.